The following is an entry in ClinVar:

ClinVar aggregate classification (germline): Uncertain significance. Review status: criteria provided, multiple submitters, no conflicts (2 of 4 stars). 2 submissions from 2 submitters: Uncertain significance (2). Last evaluated 2025-09-16.

Allele frequency attached by ClinVar (database versions not stated): gnomAD exomes 0.00001 and below 0.00001; TOPMed below 0.00001; ExAC 0.00001.
gnomAD v4.1: 3 of 1,612,170 alleles (0.00019%); highest among the groups gnomAD compares: Non-Finnish European, 0.00025%; no homozygotes.

Submissions (2):

Labcorp Genetics (formerly Invitae), Labcorp
Classification: Uncertain significance. Last evaluated: 2025-09-16. Review status: criteria provided, single submitter. Criteria: Invitae Variant Classification Sherloc (09022015). Collection method: clinical testing. Allele origin: germline.
Comment: This sequence change falls in intron 30 of the COL9A2 gene. It does not directly change the encoded amino acid sequence of the COL9A2 protein. This variant is present in population databases (rs778874959, gnomAD 0.0009%). This variant has not been reported in the literature in individuals affected with COL9A2-related conditions. ClinVar contains an entry for this variant (Variation ID: 1305259). Algorithms developed to predict the effect of sequence changes on RNA splicing suggest that this variant may disrupt the consensus splice site. In summary, the available evidence is currently insufficient to determine the role of this variant in disease. Therefore, it has been classified as a Variant of Uncertain Significance.

GeneDx
Classification: Uncertain significance. Last evaluated: 2019-04-24. Review status: criteria provided, single submitter. Criteria: GeneDx Variant Classification Process June 2021. Collection method: clinical testing. Allele origin: germline. Affected: yes.
Comment: Not observed at a significant frequency in large population cohorts (Lek et al., 2016); Has not been previously published as pathogenic or benign to our knowledge; In-silico analysis, which includes splice predictors and evolutionary conservation, is inconclusive as to whether the variant alters gene splicing. In the absence of RNA/functional studies, the actual effect of this sequence change is unknown.

NM_001852.4(COL9A2):c.1793-9T>A

Gene: COL9A2 (collagen type IX alpha 2 chain; minus strand). Cytogenetic location: 1p34.2.
Variant type: single nucleotide variant.
Coding change: c.1793-9T>A on transcript NM_001852.4 (MANE Select); 9 bases into the intron before coding-DNA position 1793, T replaced by A.
Molecular consequence: intron variant.
Genome position (GRCh38, 1-based): chr1:40,301,898, A>T on the plus strand (T>A on the coding strand, the complement: COL9A2 is on the minus strand). VCF-style: chr1-40301898-A-T. GRCh37 (hg19) VCF-style: chr1-40767570-A-T.
Identifiers: ClinVar variation 1305259 (VCV001305259.6), dbSNP rs778874959, ClinGen allele CA791321.